The following is an entry in ClinVar:

NM_152309.3(PIK3AP1):c.136A>G (p.Arg46Gly)

Gene: PIK3AP1 (phosphoinositide-3-kinase adaptor protein 1; minus strand). Cytogenetic location: 10q24.1.
Variant type: single nucleotide variant.
Coding change: c.136A>G on transcript NM_152309.3 (MANE Select); coding-DNA position 136, A replaced by G.
Protein change: p.Arg46Gly; replaces arginine 46 with glycine.
Molecular consequence: missense variant.
Genome position (GRCh38, 1-based): chr10:96,709,861, T>C on the plus strand (A>G on the coding strand, the complement: PIK3AP1 is on the minus strand). VCF-style: chr10-96709861-T-C. GRCh37 (hg19) VCF-style: chr10-98469618-T-C.
Other names: short protein forms R46G.
Identifiers: ClinVar variation 4695362 (VCV004695362.1).

ClinVar aggregate classification (germline): Uncertain significance (1 of 4 stars; one submission).

Conditions:
Infantile spasms. Also called: Infantile spasm. Identifiers: MedGen C3887898, HP:0012469.

Submission:

Labcorp Genetics (formerly Invitae), Labcorp
Classification: Uncertain significance for Infantile spasms. Last evaluated: 2025-09-13. Review status: criteria provided, single submitter. Criteria: Invitae Variant Classification Sherloc (09022015). Collection method: clinical testing. Allele origin: germline.
Comment: This sequence change replaces arginine, which is basic and polar, with glycine, which is neutral and non-polar, at codon 46 of the PIK3AP1 protein (p.Arg46Gly). This variant is not present in population databases (gnomAD no frequency). This variant has not been reported in the literature in individuals affected with PIK3AP1-related conditions. An algorithm developed to predict the effect of missense changes on protein structure and function (PolyPhen-2) suggests that this variant is likely to be tolerated. In summary, the available evidence is currently insufficient to determine the role of this variant in disease. Therefore, it has been classified as a Variant of Uncertain Significance.